The following is an entry in ClinVar:

ClinVar aggregate classification (germline): Uncertain significance (1 of 4 stars; one submission).

Conditions:
Breast-ovarian cancer, familial, susceptibility to, 4. Identifiers: Orphanet 145, MedGen C3280345, MONDO:0013669, OMIM 614291.

Submission:

Labcorp Genetics (formerly Invitae), Labcorp
Classification: Uncertain significance for Breast-ovarian cancer, familial, susceptibility to, 4. Last evaluated: 2022-08-24. Review status: criteria provided, single submitter. Criteria: Invitae Variant Classification Sherloc (09022015). Collection method: clinical testing. Allele origin: germline.
Comment: This sequence change replaces threonine, which is neutral and polar, with proline, which is neutral and non-polar, at codon 194 of the RAD51D protein (p.Thr194Pro). This variant is not present in population databases (gnomAD no frequency). This variant has not been reported in the literature in individuals affected with RAD51D-related conditions. ClinVar contains an entry for this variant (Variation ID: 1434011). Algorithms developed to predict the effect of missense changes on protein structure and function (SIFT, PolyPhen-2, Align-GVGD) all suggest that this variant is likely to be tolerated. In summary, the available evidence is currently insufficient to determine the role of this variant in disease. Therefore, it has been classified as a Variant of Uncertain Significance.

NM_002878.4(RAD51D):c.580A>C (p.Thr194Pro)

Genes: RAD51L3-RFFL (RAD51L3-RFFL readthrough; minus strand), RAD51D (RAD51 paralog D; minus strand). Cytogenetic location: 17q12.
Variant type: single nucleotide variant.
Coding change: c.580A>C on transcript NM_002878.4 (MANE Select); coding-DNA position 580, A replaced by C.
Protein change: p.Thr194Pro; replaces threonine 194 with proline.
Molecular consequence: missense variant. On other transcripts: non-coding transcript variant (3).
Genome position (GRCh38, 1-based): chr17:35,103,541, T>G on the plus strand (A>C on the coding strand, the complement: RAD51D is on the minus strand). VCF-style: chr17-35103541-T-G. GRCh37 (hg19) VCF-style: chr17-33430560-T-G.
Other names: c.640A>C, p.Thr214Pro (NM_001142571.2); c.244A>C, p.Thr82Pro (NM_133629.3); short protein forms T82P, T214P, T194P.
Identifiers: ClinVar variation 1434011 (VCV001434011.8), dbSNP rs2142421166, ClinGen allele CA399087994.